The following is an entry in ClinVar:

NM_000393.5(COL5A2):c.2292G>A (p.Pro764=)

Gene: COL5A2 (collagen type V alpha 2 chain; minus strand). Cytogenetic location: 2q32.2.
Variant type: single nucleotide variant.
Coding change: c.2292G>A on transcript NM_000393.5 (MANE Select); coding-DNA position 2292, G replaced by A.
Protein change: p.Pro764=; no amino-acid change (proline 764 retained).
Molecular consequence: synonymous variant.
Genome position (GRCh38, 1-based): chr2:189,057,365, C>T on the plus strand (G>A on the coding strand, the complement: COL5A2 is on the minus strand). VCF-style: chr2-189057365-C-T. GRCh37 (hg19) VCF-style: chr2-189922091-C-T.
Other names: c.2292G>A (NM_000393.3).
Identifiers: ClinVar variation 1593763 (VCV001593763.10), dbSNP rs751503520, ClinGen allele CA2022385.

ClinVar aggregate classification (germline): Likely benign. Review status: criteria provided, multiple submitters, no conflicts (2 of 4 stars). 3 submissions from 3 submitters: Likely benign (3). Last evaluated 2026-07-01.

Conditions:
Ehlers-Danlos syndrome, classic type, 1 (EDSCL1). Also called: EHLERS-DANLOS SYNDROME, GRAVIS TYPE; EHLERS-DANLOS SYNDROME, SEVERE CLASSIC TYPE; Ehlers-Danlos syndrome, type 1; Ehlers-Danlos Syndrome, Classic Type, COL5A1-Related; EDS I. Identifiers: MedGen C0268335, MONDO:0019567, OMIM 130000.
Familial thoracic aortic aneurysm and aortic dissection (TAAD). Also called: Thoracic aortic aneurysms and dissections. Identifiers: Orphanet 91387, MedGen C4707243, MONDO:0019625.

Allele frequency attached by ClinVar (database versions not stated): TOPMed 0.00001; ExAC 0.00003; gnomAD 0.00003 and 0.00004; gnomAD exomes 0.00003.
gnomAD v4.1: 40 of 1,613,442 alleles (0.0025%); highest among the groups gnomAD compares: South Asian, 0.0066%; no homozygotes.

Submissions (3):

CeGaT Center for Human Genetics Tuebingen
Classification: Likely benign. Last evaluated: 2026-07-01. Review status: criteria provided, single submitter. Criteria: CeGaT Center For Human Genetics Tuebingen Variant Classification Criteria Version 2. Collection method: clinical testing. Allele origin: germline. Affected: yes. Observed: 1 variant allele.
Comment: COL5A2: BP4, BP7

Ambry Genetics
Classification: Likely benign for Familial thoracic aortic aneurysm and aortic dissection. Last evaluated: 2026-02-13. Review status: criteria provided, single submitter. Criteria: Ambry Variant Classification Scheme 2023. Collection method: clinical testing. Allele origin: germline.

Labcorp Genetics (formerly Invitae), Labcorp
Classification: Likely benign for Ehlers-Danlos syndrome, classic type, 1. Last evaluated: 2025-03-05. Review status: criteria provided, single submitter. Criteria: Invitae Variant Classification Sherloc (09022015). Collection method: clinical testing. Allele origin: germline.